The following is an entry in ClinVar:

NM_001291303.3(FAT4):c.13661A>G (p.Glu4554Gly)

Gene: FAT4 (FAT atypical cadherin 4; plus strand). Cytogenetic location: 4q28.1.
Variant type: single nucleotide variant.
Coding change: c.13661A>G on transcript NM_001291303.3 (MANE Select); coding-DNA position 13661, A replaced by G.
Protein change: p.Glu4554Gly; replaces glutamic acid 4554 with glycine.
Molecular consequence: missense variant.
Genome position (GRCh38, 1-based): chr4:125,490,477, A>G. VCF-style: chr4-125490477-A-G. GRCh37 (hg19) VCF-style: chr4-126411632-A-G.
Other names: c.13658A>G, p.Glu4553Gly (NM_001291285.3); c.13655A>G, p.Glu4552Gly (NM_024582.6); short protein forms E4554G, E4552G, E4553G.
Identifiers: ClinVar variation 3637033 (VCV003637033.2).

ClinVar aggregate classification (germline): Uncertain significance (1 of 4 stars; one submission).

gnomAD v4.1: 1 of 1,614,180 alleles (0.000062%); highest among the groups gnomAD compares: Non-Finnish European, 0.000085%; no homozygotes.

Submission:

Labcorp Genetics (formerly Invitae), Labcorp
Classification: Uncertain significance. Last evaluated: 2024-07-16. Review status: criteria provided, single submitter. Criteria: Invitae Variant Classification Sherloc (09022015). Collection method: clinical testing. Allele origin: germline.
Comment: This sequence change replaces glutamic acid, which is acidic and polar, with glycine, which is neutral and non-polar, at codon 4552 of the FAT4 protein (p.Glu4552Gly). This variant is present in population databases (rs780893557, gnomAD 0.0009%). This variant has not been reported in the literature in individuals affected with FAT4-related conditions. Advanced modeling of protein sequence and biophysical properties (such as structural, functional, and spatial information, amino acid conservation, physicochemical variation, residue mobility, and thermodynamic stability) performed at Invitae indicates that this missense variant is not expected to disrupt FAT4 protein function with a negative predictive value of 95%. In summary, the available evidence is currently insufficient to determine the role of this variant in disease. Therefore, it has been classified as a Variant of Uncertain Significance.